The following is an entry in ClinVar:

ClinVar aggregate classification (germline): Likely benign. Review status: criteria provided, single submitter (1 of 4 stars). 2 submissions from 2 submitters: Likely benign (1). 1 of the submissions does not count toward it. Last evaluated 2026-01-20.

Conditions:
VPS13A-related disorder. Also called: VPS13A-related condition.

Allele frequency attached by ClinVar (database versions not stated): ExAC 0.00002; gnomAD exomes 0.00001 and 0.00002; gnomAD 0.00007 and 0.00002; TOPMed 0.00001.
gnomAD v4.1: 24 of 1,613,142 alleles (0.0015%); highest among the groups gnomAD compares: East Asian, 0.016%; 1 homozygote.

Submissions (2):

Labcorp Genetics (formerly Invitae), Labcorp
Classification: Likely benign. Last evaluated: 2026-01-20. Review status: criteria provided, single submitter. Criteria: Invitae Variant Classification Sherloc (09022015). Collection method: clinical testing. Allele origin: germline.

PreventionGenetics, part of Exact Sciences
Classification: Likely benign for VPS13A-related condition. Last evaluated: 2019-08-27. Review status: no assertion criteria provided. Collection method: clinical testing. Allele origin: germline. Not counted in ClinVar's aggregate classification.
Comment: This variant is classified as likely benign based on ACMG/AMP sequence variant interpretation guidelines (Richards et al. 2015 PMID: 25741868, with internal and published modifications).

NM_033305.3(VPS13A):c.6252A>G (p.Glu2084=)

Gene: VPS13A (vacuolar protein sorting 13 homolog A; plus strand). Cytogenetic location: 9q21.2.
Variant type: single nucleotide variant.
Coding change: c.6252A>G on transcript NM_033305.3 (MANE Select); coding-DNA position 6252, A replaced by G.
Protein change: p.Glu2084=; no amino-acid change (glutamic acid 2084 retained).
Molecular consequence: synonymous variant.
Genome position (GRCh38, 1-based): chr9:77,337,411, A>G. VCF-style: chr9-77337411-A-G. GRCh37 (hg19) VCF-style: chr9-79952327-A-G.
Other names: c.6135A>G, p.Glu2045= (NM_001018037.2); c.6252A>G, p.Glu2084= (NM_001018038.3, NM_015186.4).
Identifiers: ClinVar variation 696437 (VCV000696437.12), dbSNP rs535196763, ClinGen allele CA5092975.